The following is an entry in ClinVar:

NM_001034853.2(RPGR):c.443G>T (p.Gly148Val)

Gene: RPGR (retinitis pigmentosa GTPase regulator; minus strand). Cytogenetic location: Xp11.4.
Variant type: single nucleotide variant.
Coding change: c.443G>T on transcript NM_001034853.2 (MANE Select); coding-DNA position 443, G replaced by T.
Protein change: p.Gly148Val; replaces glycine 148 with valine.
Molecular consequence: missense variant. On other transcripts: non-coding transcript variant (6).
Genome position (GRCh38, 1-based): chrX:38,318,855, C>A on the plus strand (G>T on the coding strand, the complement: RPGR is on the minus strand). VCF-style: chrX-38318855-C-A. GRCh37 (hg19) VCF-style: chrX-38178108-C-A.
Other names: NM_001034853.2:c.443G>T; c.443G>T, p.Gly148Val (NM_000328.3, NM_001367245.1, NM_001367246.1 and 3 more transcripts); c.473G>T, p.Gly158Val (NM_001367248.1); c.440G>T, p.Gly147Val (NM_001367249.1); short protein forms G147V, G148V, G158V.
Identifiers: ClinVar variation 5043497 (VCV005043497.1).
Genomic context (GRCh38, chrX:38,318,855, plus strand): 5'-ATGTGTCCCAGACTGAAAAAGAAACAAGTCTCACCAGTTAGGGCAGCTGAAGTATTAGAT[C>A]CAGCAGACAGCTGCTTAATCTTATGCTCGGATGTAAAAAAGCTAATTACATGAAAAGTGT-3'
Protein context (NP_001030025.1, residues 138-158): SEHKIKQLSA[Gly148Val]SNTSAALTED

ClinVar aggregate classification (germline): Likely pathogenic (3 of 4 stars; one submission).

Conditions:
RPGR-related retinopathy. Also called: RPGR retinopathy. Identifiers: MedGen CN305589, MONDO:0100437.

Submission:

ClinGen X-linked Inherited Retinal Disease Variant Curation Expert Panel, ClinGen
Classification: Likely pathogenic for RPGR-related retinopathy. Last evaluated: 2026-11-20. Review status: reviewed by expert panel. Criteria: ClinGen X LinkedIRD ACMG Specifications RPGR V1.0.0. Collection method: curation. Allele origin: germline. Inheritance: X-linked inheritance.
Comment: NM_001034853.2(RPGR):c.443G>T (p.Gly148Val) is a missense variant that replaces glycine with valine at amino acid 148. This variant is absent from hemizygous individuals in gnomAD v4.1.0 (PM2_Supporting). At least one proband harboring this variant exhibits a phenotype including first decade onset (1 point), family history consistent with X-linked inheritance with delayed or milder phenotype in females (1 pt), and decreased central visual acuity (0.5 pts), with unreported electroretinogram responses, which together are not sufficiently specific for RPGR-related retinopathy to meet PP4 (2.5 total points, PMID: 25366773). The variant has been reported to segregate with retinal dystrophy through mother and son in one family. (PP1; PMID: 25366773). The computational predictor REVEL gives a score of 0.959, which is above the ClinGen X-linked IRD VCEP threshold of >0.932 and predicts a damaging effect on RPGR function (PP3_Strong). In addition, the splicing impact predictor SpliceAI gives delta scores of 0.22 for donor gain, which is above the ClinGen X-linked IRD VCEP recommended threshold of ≥0.2 and predicts a damaging impact on splicing. In summary, this variant is classified as likely pathogenic for RPGR-related retinopathy based on the ClinGen X-linked Inherited Retinal Disease Expert Panel Specifications to the ACMG/AMP Variant Interpretation Guidelines for RPGR Version 1.0.0; PM2_Supporting, PP1, and PP3_Strong.